The following is an entry in ClinVar:

NC_000001.10:g.(?_235611654)_(235612077_?)dup

Genes: B3GALNT2 (beta-1,3-N-acetylgalactosaminyltransferase 2; minus strand), TBCE (tubulin folding cofactor E; plus strand). Cytogenetic location: 1q42.3.
Variant type: Duplication.
Identifiers: ClinVar variation 1015179 (VCV001015179.1).

ClinVar aggregate classification (germline): Uncertain significance (1 of 4 stars; one submission).

Submission:

Labcorp Genetics (formerly Invitae), Labcorp
Classification: Uncertain significance. Last evaluated: 2020-10-22. Review status: criteria provided, single submitter. Criteria: Invitae Variant Classification Sherloc (09022015). Collection method: clinical testing. Allele origin: germline.
Comment: This variant results in a copy number gain of the genomic region encompassing exon(s) 16-17 of the TBCE gene. The 5' boundary is likely confined to intron 15. The 3' end of this event is unknown as it extends beyond the assayed region for this gene and therefore may encompass additional genes. As the precise location of this event is unknown, it may be in tandem or it may be located elsewhere in the genome. This variant has not been reported in the literature in individuals with TBCE-related conditions. In summary, the available evidence is currently insufficient to determine the role of this variant in disease. Therefore, it has been classified as a Variant of Uncertain Significance.